The following is an entry in ClinVar:

NM_000018.4(ACADVL):c.20C>A (p.Ala7Asp)

Genes: ACADVL (acyl-CoA dehydrogenase very long chain; plus strand), DLG4 (discs large MAGUK scaffold protein 4; minus strand). Cytogenetic location: 17p13.1.
Variant type: single nucleotide variant.
Coding change: c.20C>A on transcript NM_000018.4 (MANE Select); coding-DNA position 20, C replaced by A.
Protein change: p.Ala7Asp; replaces alanine 7 with aspartic acid.
Molecular consequence: missense variant. On other transcripts: 5 prime UTR variant (2), non-coding transcript variant (1), intron variant (1).
Genome position (GRCh38, 1-based): chr17:7,220,004, C>A. VCF-style: chr17-7220004-C-A. GRCh37 (hg19) VCF-style: chr17-7123323-C-A.
Other names: c.-1155G>T (NM_001321074.1); c.20C>A, p.Ala7Asp (NM_001033859.3); c.-284C>A (NM_001270448.2); c.132-118C>A (NM_001270447.2); short protein forms A7D.
Identifiers: ClinVar variation 1484230 (VCV001484230.5), dbSNP rs2142959240, ClinGen allele CA397721930.
Genomic context (GRCh38, chr17:7,220,004, plus strand): 5'-GGGTCAGAGCTCGAGCCAGCGGCGCCCGGAGAGATTCGGAGATGCAGGCGGCTCGGATGG[C>A]CGCGAGCTTGGGGCGGCAGCTGCTGAGGCTCGGGGGCGGAAGGTCTGTGTGTGACAAGAG-3'
Protein context (NP_000009.1, residues 1-17): MQAARM[Ala7Asp]ASLGRQLLRL

ClinVar aggregate classification (germline): Uncertain significance (1 of 4 stars; one submission).

Conditions:
Very long chain acyl-CoA dehydrogenase deficiency (ACADVLD). Also called: VLCAD Deficiency; Very Long-Chain Acyl-Coenzyme A Dehydrogenase Deficiency. Identifiers: Orphanet 26793, MedGen C3887523, MONDO:0008723, OMIM 201475.

gnomAD v4.1: 1 of 1,603,890 alleles (0.000062%); highest among the groups gnomAD compares: Non-Finnish European, 0.000085%; no homozygotes.

Submission:

Labcorp Genetics (formerly Invitae), Labcorp
Classification: Uncertain significance for Very long chain acyl-CoA dehydrogenase deficiency. Last evaluated: 2021-10-27. Review status: criteria provided, single submitter. Criteria: Invitae Variant Classification Sherloc (09022015). Collection method: clinical testing. Allele origin: germline.
Comment: In summary, the available evidence is currently insufficient to determine the role of this variant in disease. Therefore, it has been classified as a Variant of Uncertain Significance. Algorithms developed to predict the effect of missense changes on protein structure and function are either unavailable or do not agree on the potential impact of this missense change (SIFT: "Tolerated"; PolyPhen-2: "Not Available"; Align-GVGD: "Class C0"). This variant has not been reported in the literature in individuals affected with ACADVL-related conditions. This variant is not present in population databases (gnomAD no frequency). This sequence change replaces alanine, which is neutral and non-polar, with aspartic acid, which is acidic and polar, at codon 7 of the ACADVL protein (p.Ala7Asp).